The following is an entry in ClinVar:

ClinVar aggregate classification (germline): Uncertain significance (0 of 4 stars; one submission).

Allele frequency attached by ClinVar (database versions not stated): gnomAD exomes below 0.00001.

Submission:

Department of Pathology and Laboratory Medicine, Sinai Health System
Classification: Uncertain significance. Review status: no assertion criteria provided. Collection method: clinical testing. Allele origin: unknown. Affected: yes. Study: The Canadian Open Genetics Repository (COGR).
Comment: The RPGR p.Lys1048Arg variant was not identified in the literature nor was it identified in dbSNP, ClinVar, LOVD 3.0 or in the following control databases: the 1000 Genomes Project, the NHLBI GO Exome Sequencing Project, the Exome Aggregation Consortium (August 8th 2016), or the Genome Aggregation Database (March 6, 2019, v2.1.1). The p.Lys1048 residue is not conserved in mammals and computational analyses (PolyPhen-2, SIFT, AlignGVGD, BLOSUM, MutationTaster) do not suggest a high likelihood of impact to the protein; however, this information is not predictive enough to rule out pathogenicity. The variant occurs outside of the splicing consensus sequence and in silico or computational prediction software programs (SpliceSiteFinder, MaxEntScan, NNSPLICE, GeneSplicer) do not predict a difference in splicing. In summary, based on the above information the clinical significance of this variant cannot be determined with certainty at this time. This variant is classified as a variant of uncertain significance.

NM_001034853.2(RPGR):c.3143A>G (p.Lys1048Arg)

Gene: RPGR (retinitis pigmentosa GTPase regulator; minus strand). Cytogenetic location: Xp11.4.
Variant type: single nucleotide variant.
Coding change: c.3143A>G on transcript NM_001034853.2 (MANE Select); coding-DNA position 3143, A replaced by G.
Protein change: p.Lys1048Arg; replaces lysine 1048 with arginine.
Molecular consequence: missense variant. On other transcripts: intron variant (8).
Genome position (GRCh38, 1-based): chrX:38,285,856, T>C on the plus strand (A>G on the coding strand, the complement: RPGR is on the minus strand). VCF-style: chrX-38285856-T-C. GRCh37 (hg19) VCF-style: chrX-38145109-T-C.
Other names: c.1569+5103A>G (NM_001367249.1, NM_001367250.1); c.1902+1238A>G (NM_001367245.1); c.1386+5103A>G (NM_001367251.1); c.1719+1238A>G (NM_001367246.1); c.1572+5103A>G (NM_001367247.1); c.1905+1238A>G (NM_000328.3); c.1602+5103A>G (NM_001367248.1); short protein forms K1048R.
Identifiers: ClinVar variation 1050602 (VCV001050602.1), dbSNP rs2147190857, ClinGen allele CA412728911.
Genomic context (GRCh38, chrX:38,285,856, plus strand): 5'-TTCCCCTCTTCTTCCTCCTCCTCTTCTCTGTTCCTCCTGTTTTCTTCTCCTTCCCCCTCC[T>C]TTTCCCTTTCTTCTCCTTCCTCCTCTCCTTCCTCTTCCTCTCCTTCCCCCTCTCCTTCCT-3'
Protein context (NP_001030025.1, residues 1038-1058): EGEEEGEERE[Lys1048Arg]EGEGEENRRN